The following is an entry in ClinVar:

ClinVar aggregate classification (germline): Pathogenic (1 of 4 stars; one submission).

Conditions:
Hereditary cancer-predisposing syndrome. Also called: Neoplastic Syndromes, Hereditary; Hereditary Cancer Syndrome; Hereditary neoplastic syndrome; Tumor predisposition. Identifiers: Orphanet 140162, MedGen C0027672, MeSH D009386, MONDO:0015356.

Submission:

Labcorp Genetics (formerly Invitae), Labcorp
Classification: Pathogenic for Hereditary cancer-predisposing syndrome. Last evaluated: 2023-09-01. Review status: criteria provided, single submitter. Criteria: Invitae Variant Classification Sherloc (09022015). Collection method: clinical testing. Allele origin: germline.
Comment: This sequence change creates a premature translational stop signal (p.Lys933*) in the RAD50 gene. It is expected to result in an absent or disrupted protein product. Loss-of-function variants in RAD50 are known to be pathogenic (PMID: 19409520). This variant is not present in population databases (gnomAD no frequency). This variant has not been reported in the literature in individuals affected with RAD50-related conditions. For these reasons, this variant has been classified as Pathogenic.

Literature cited by the submitters: PubMed 19409520.

NM_005732.4(RAD50):c.2797A>T (p.Lys933Ter)

Gene: RAD50 (RAD50 double strand break repair protein; plus strand). Cytogenetic location: 5q31.1.
Variant type: single nucleotide variant.
Coding change: c.2797A>T on transcript NM_005732.4 (MANE Select); coding-DNA position 2797, A replaced by T.
Protein change: p.Lys933Ter; replaces lysine 933 with a stop codon.
Molecular consequence: nonsense.
Genome position (GRCh38, 1-based): chr5:132,608,693, A>T. VCF-style: chr5-132608693-A-T. GRCh37 (hg19) VCF-style: chr5-131944385-A-T.
Other names: short protein forms K933*.
Identifiers: ClinVar variation 2757100 (VCV002757100.3), dbSNP rs2479370058, ClinGen allele CA360959061.
Genomic context (GRCh38, chr5:132,608,693, plus strand): 5'-AGCCCTTTGGAAACAACATTGGAAAAGTTCCAGCAAGAAAAAGAAGAATTAATCAACAAA[A>T]AAAATACAAGCAACAAAATAGCACAGGATAAAGTAAGATTTCATTTATATATTTACTTAT-3'